The following is an entry in ClinVar:

ClinVar aggregate classification (germline): Uncertain significance (1 of 4 stars; one submission).

Conditions:
GRN-related frontotemporal lobar degeneration with Tdp43 inclusions (FTD2). Also called: DEMENTIA, HEREDITARY DYSPHASIC DISINHIBITION; FRONTOTEMPORAL LOBAR DEGENERATION WITH UBIQUITIN-POSITIVE INCLUSIONS; FTLD-TDP, GRN-RELATED; GRN Frontotemporal Dementia; FRONTOTEMPORAL DEMENTIA WITH TDP43 INCLUSIONS, GRN-RELATED. Identifiers: Orphanet 100070, Orphanet 282, MedGen C1843792, MONDO:0011842, OMIM 607485. Disease mechanism: loss of function.
Neuronal ceroid lipofuscinosis 11. Also called: GRN-Related Neuronal Ceroid-Lipofuscinosis. Identifiers: Orphanet 314629, Orphanet 79262, MedGen C3539123, MONDO:0013866, OMIM 614706.

Allele frequency attached by ClinVar (database versions not stated): gnomAD exomes below 0.00001; ExAC 0.00001; ESP Exome Variant Server 0.00008.

Submission:

Labcorp Genetics (formerly Invitae), Labcorp
Classification: Uncertain significance for Neuronal ceroid lipofuscinosis 11; GRN-related frontotemporal lobar degeneration with Tdp43 inclusions. Last evaluated: 2024-10-23. Review status: criteria provided, single submitter. Criteria: Invitae Variant Classification Sherloc (09022015). Collection method: clinical testing. Allele origin: germline.
Comment: This sequence change replaces alanine, which is neutral and non-polar, with valine, which is neutral and non-polar, at codon 359 of the GRN protein (p.Ala359Val). This variant is present in population databases (rs371073236, gnomAD 0.007%). This variant has not been reported in the literature in individuals affected with GRN-related conditions. Invitae Evidence Modeling of protein sequence and biophysical properties (such as structural, functional, and spatial information, amino acid conservation, physicochemical variation, residue mobility, and thermodynamic stability) indicates that this missense variant is not expected to disrupt GRN protein function with a negative predictive value of 80%. In summary, the available evidence is currently insufficient to determine the role of this variant in disease. Therefore, it has been classified as a Variant of Uncertain Significance.

NM_002087.4(GRN):c.1076C>T (p.Ala359Val)

Gene: GRN (granulin precursor; plus strand). Cytogenetic location: 17q21.31.
Variant type: single nucleotide variant.
Coding change: c.1076C>T on transcript NM_002087.4 (MANE Select); coding-DNA position 1076, C replaced by T.
Protein change: p.Ala359Val; replaces alanine 359 with valine.
Molecular consequence: missense variant.
Genome position (GRCh38, 1-based): chr17:44,351,692, C>T. VCF-style: chr17-44351692-C-T. GRCh37 (hg19) VCF-style: chr17-42429060-C-T.
Other names: short protein forms A359V.
Identifiers: ClinVar variation 2931870 (VCV002931870.3), dbSNP rs371073236, ClinGen allele CA8602096.